The following is an entry in ClinVar:

NM_001105558.1(WEE2):c.1250T>C (p.Ile417Thr)

Genes: WEE2 (WEE2 oocyte meiosis inhibiting kinase; plus strand), WEE2-AS1 (WEE2 antisense RNA 1; minus strand). Cytogenetic location: 7q34.
Variant type: single nucleotide variant.
Coding change: c.1250T>C on transcript NM_001105558.1 (MANE Select); coding-DNA position 1250, T replaced by C.
Protein change: p.Ile417Thr; replaces isoleucine 417 with threonine.
Molecular consequence: missense variant.
Genome position (GRCh38, 1-based): chr7:141,725,054, T>C. VCF-style: chr7-141725054-T-C. GRCh37 (hg19) VCF-style: chr7-141424854-T-C.
Other names: short protein forms I417T.
Identifiers: ClinVar variation 3190450 (VCV003190450.3), dbSNP rs746796839, ClinGen allele CA4518467.

ClinVar aggregate classification (germline): Uncertain significance. Review status: criteria provided, multiple submitters, no conflicts (2 of 4 stars). 3 submissions from 3 submitters: Uncertain significance (3). Last evaluated 2024-04-11.

Allele frequency attached by ClinVar (database versions not stated): gnomAD 0.00008; gnomAD exomes 0.00010; TOPMed 0.00011; ExAC 0.00012.
gnomAD v4.1: 156 of 1,613,984 alleles (0.0097%); highest among the groups gnomAD compares: Middle Eastern, 0.049%; 1 homozygote.

Submissions (3):

Blueprint Genetics
Classification: Uncertain significance. Last evaluated: 2024-04-11. Review status: criteria provided, single submitter. Criteria: ACMG Guidelines, 2015. Collection method: clinical testing. Allele origin: germline.

Ambry Genetics
Classification: Uncertain significance. Last evaluated: 2024-01-22. Review status: criteria provided, single submitter. Criteria: Ambry Variant Classification Scheme 2023. Collection method: clinical testing. Allele origin: germline.

GeneDx
Classification: Uncertain significance. Last evaluated: 2023-08-05. Review status: criteria provided, single submitter. Criteria: GeneDx Variant Classification Process June 2021. Collection method: clinical testing. Allele origin: germline. Affected: yes.
Comment: In silico analysis supports that this missense variant has a deleterious effect on protein structure/function; Has not been previously published as pathogenic or benign to our knowledge